The following is an entry in ClinVar:

ClinVar aggregate classification (germline): Uncertain significance. Review status: criteria provided, multiple submitters, no conflicts (2 of 4 stars). 3 submissions from 3 submitters: Uncertain significance (3). Last evaluated 2026-09-14.

Conditions:
YARS1-related disorder. Also called: YARS1-related condition.
Charcot-Marie-Tooth disease dominant intermediate C (CMTDIC). Also called: CHARCOT-MARIE-TOOTH NEUROPATHY, DOMINANT INTERMEDIATE C. Identifiers: Orphanet 100045, MedGen C1842237, MONDO:0012012, OMIM 608323.

gnomAD v4.1: 4 of 1,613,974 alleles (0.00025%); highest among the groups gnomAD compares: African/African-American, 0.004%; no homozygotes.

Submissions (3):

PreventionGenetics, part of Exact Sciences
Classification: Uncertain significance for YARS1-related condition. Last evaluated: 2026-09-14. Review status: criteria provided, single submitter. Criteria: ACMG Guidelines, 2015. Collection method: clinical testing. Allele origin: germline.
Comment: The YARS1 c.611A>G variant is predicted to result in the amino acid substitution p.Tyr204Cys. This variant has been reported in the homozygous state in an individual with a complex multisystem disease, with features that included failure to thrive, cholestatic hepatitis, and hyperinsulinemia hypoglycemia (Zeiad et al. 2021. PubMed ID: 33490854). This variant is reported in 0.011% of alleles in individuals of African descent in gnomAD. At this time, the clinical significance of this variant is uncertain due to the absence of conclusive functional and genetic evidence.

Labcorp Genetics (formerly Invitae), Labcorp
Classification: Uncertain significance for Charcot-Marie-Tooth disease dominant intermediate C. Last evaluated: 2025-10-23. Review status: criteria provided, single submitter. Criteria: Invitae Variant Classification Sherloc (09022015). Collection method: clinical testing. Allele origin: germline.
Comment: This sequence change replaces tyrosine, which is neutral and polar, with cysteine, which is neutral and slightly polar, at codon 204 of the YARS protein (p.Tyr204Cys). This variant is present in population databases (no rsID available, gnomAD 0.01%). This missense change has been observed in individual(s) with autosomal recessive multi-systemic syndrome (PMID: 33490854). ClinVar contains an entry for this variant (Variation ID: 4081020). Invitae Evidence Modeling of protein sequence and biophysical properties (such as structural, functional, and spatial information, amino acid conservation, physicochemical variation, residue mobility, and thermodynamic stability) indicates that this missense variant is expected to disrupt YARS protein function with a positive predictive value of 80%. In summary, the available evidence is currently insufficient to determine the role of this variant in disease. Therefore, it has been classified as a Variant of Uncertain Significance.

Revvity Omics, Revvity
Classification: Uncertain significance. Last evaluated: 2019-10-15. Review status: criteria provided, single submitter. Criteria: ACMG Guidelines, 2015. Collection method: clinical testing. Allele origin: germline.

Literature cited by the submitters: PubMed 33490854 (cited by Labcorp Genetics (formerly Invitae), Labcorp).

NM_003680.4(YARS1):c.611A>G (p.Tyr204Cys)

Gene: YARS1 (tyrosyl-tRNA synthetase 1; minus strand). Cytogenetic location: 1p35.1.
Variant type: single nucleotide variant.
Coding change: c.611A>G on transcript NM_003680.4 (MANE Select); coding-DNA position 611, A replaced by G.
Protein change: p.Tyr204Cys; replaces tyrosine 204 with cysteine.
Molecular consequence: missense variant.
Genome position (GRCh38, 1-based): chr1:32,791,235, T>C on the plus strand (A>G on the coding strand, the complement: YARS1 is on the minus strand). VCF-style: chr1-32791235-T-C. GRCh37 (hg19) VCF-style: chr1-33256836-T-C.
Other names: short protein forms Y204C.
Identifiers: ClinVar variation 4081020 (VCV004081020.3).